The following is an entry in ClinVar:

NM_024753.5(TTC21B):c.901C>A (p.Arg301Ser)

Gene: TTC21B (tetratricopeptide repeat domain 21B; minus strand). Cytogenetic location: 2q24.3.
Variant type: single nucleotide variant.
Coding change: c.901C>A on transcript NM_024753.5 (MANE Select); coding-DNA position 901, C replaced by A.
Protein change: p.Arg301Ser; replaces arginine 301 with serine.
Molecular consequence: missense variant.
Genome position (GRCh38, 1-based): chr2:165,930,358, G>T on the plus strand (C>A on the coding strand, the complement: TTC21B is on the minus strand). VCF-style: chr2-165930358-G-T. GRCh37 (hg19) VCF-style: chr2-166786868-G-T.
Other names: c.901C>A (NM_024753.4); short protein forms R301S.
Identifiers: ClinVar variation 3975281 (VCV003975281.2).

ClinVar aggregate classification (germline): Uncertain significance. Review status: criteria provided, multiple submitters, no conflicts (2 of 4 stars). 2 submissions from 2 submitters: Uncertain significance (2). Last evaluated 2025-10-22.

Conditions:
TTC21B-related disorder. Also called: TTC21B-related condition; TTC21B-related disorders.
Inborn genetic diseases. Identifiers: MedGen C0950123, MeSH D030342.

gnomAD v4.1: 3 of 1,606,648 alleles (0.00019%); highest among the groups gnomAD compares: Admixed American, 0.0017%; no homozygotes.

Submissions (2):

PreventionGenetics, part of Exact Sciences
Classification: Uncertain significance for TTC21B-related condition. Last evaluated: 2025-10-22. Review status: criteria provided, single submitter. Criteria: ACMG Guidelines, 2015. Collection method: clinical testing. Allele origin: germline.
Comment: The TTC21B c.901C>A variant is predicted to result in the amino acid substitution p.Arg301Ser. To our knowledge, this variant has not been reported in the literature or in a large population database (gnomAD), indicating this variant is rare. At this time, the clinical significance of this variant is uncertain due to the absence of conclusive functional and genetic evidence.

Ambry Genetics
Classification: Uncertain significance for Inborn genetic diseases. Last evaluated: 2025-04-01. Review status: criteria provided, single submitter. Criteria: Ambry Variant Classification Scheme 2023. Collection method: clinical testing. Allele origin: germline.